The following is an entry in ClinVar:

ClinVar aggregate classification (germline): Pathogenic (1 of 4 stars; one submission).

Submission:

GeneDx
Classification: Pathogenic. Last evaluated: 2017-01-13. Review status: criteria provided, single submitter. Criteria: GeneDx Variant Classification (06012015). Collection method: clinical testing. Allele origin: germline. Affected: yes.
Comment: The Q958X variant in the ARID2 gene has not been reported previously as a pathogenic variant nor as a benign variant, to our knowledge. This variant is predicted to cause loss of normal protein function either through protein truncation or nonsense-mediated mRNA decay. The Q958X variant was not observed in approximately 6500 individuals of European and African American ancestry in the NHLBI Exome Sequencing Project, indicating it is not a common benign variant in these populations. We interpret Q958X as a pathogenic variant

NM_152641.4(ARID2):c.2872C>T (p.Gln958Ter)

Gene: ARID2 (AT-rich interaction domain 2; plus strand). Cytogenetic location: 12q12.
Variant type: single nucleotide variant.
Coding change: c.2872C>T on transcript NM_152641.4 (MANE Select); coding-DNA position 2872, C replaced by T.
Protein change: p.Gln958Ter; replaces glutamine 958 with a stop codon.
Molecular consequence: nonsense.
Genome position (GRCh38, 1-based): chr12:45,850,995, C>T. VCF-style: chr12-45850995-C-T. GRCh37 (hg19) VCF-style: chr12-46244778-C-T.
Other names: c.2872C>T, p.Gln958Ter (NM_001347839.2); short protein forms Q958*.
Identifiers: ClinVar variation 392199 (VCV000392199.2), dbSNP rs1057524391, ClinGen allele CA16607287.
Genomic context (GRCh38, chr12:45,850,995, plus strand): 5'-ACTTATGCACCAGCCATTCACCAAATTGTTCTTGCTAATCCAGCAGCTCTTCCAGCTGGT[C>T]AGACAGTTCAGCTAACTGGACAACCTAACATAACTCCATCTTCTTCACCATCACCTGTCC-3'